The following is an entry in ClinVar:

NM_000257.4(MYH7):c.1283C>T (p.Ala428Val)

Gene: MYH7 (myosin heavy chain 7; minus strand). Cytogenetic location: 14q11.2.
Variant type: single nucleotide variant.
Coding change: c.1283C>T on transcript NM_000257.4 (MANE Select); coding-DNA position 1283, C replaced by T.
Protein change: p.Ala428Val; replaces alanine 428 with valine.
Molecular consequence: missense variant.
Genome position (GRCh38, 1-based): chr14:23,429,079, G>A on the plus strand (C>T on the coding strand, the complement: MYH7 is on the minus strand). VCF-style: chr14-23429079-G-A. GRCh37 (hg19) VCF-style: chr14-23898288-G-A.
Other names: short protein forms A428V.
Identifiers: ClinVar variation 164375 (VCV000164375.15), dbSNP rs727503266, ClinGen allele CA010474.

ClinVar aggregate classification (germline): Conflicting classifications of pathogenicity. Review status: criteria provided, conflicting classifications (1 of 4 stars). 4 submissions from 4 submitters: Likely pathogenic (3); Uncertain significance (1). Last evaluated 2024-12-31.

Conditions:
Cardiovascular phenotype. Identifiers: MedGen CN230736.
Hypertrophic cardiomyopathy. Also called: HYPERTROPHIC MYOCARDIOPATHY. Identifiers: Orphanet 217569, MedGen C0007194, MeSH D002312, MONDO:0005045, HP:0001639.

Submissions (4):

Ambry Genetics
Classification: Likely pathogenic for Cardiovascular phenotype. Last evaluated: 2024-12-31. Review status: criteria provided, single submitter. Criteria: Ambry Variant Classification Scheme 2023. Collection method: clinical testing. Allele origin: germline.
Comment: The p.A428V variant (also known as c.1283C>T), located in coding exon 12 of the MYH7 gene, results from a C to T substitution at nucleotide position 1283. The alanine at codon 428 is replaced by valine, an amino acid with similar properties. This variant was identified in one or more individuals with features consistent with hypertrophic cardiomyopathy (HCM) and segregated with disease in at least one family (Ambry internal data; Richard P et al. Circulation, 2003 May;107:2227-32; Bos JM et al. Mayo Clin Proc, 2014 Jun;89:727-37; Alfares AA et al. Genet Med, 2015 Nov;17:880-8; Walsh R et al. Genet Med, 2017 Feb;19:192-203). This alteration is located in the myosin head domain, which contains a statistically significant clustering of pathogenic missense variants (Homburger JR et al. Proc Natl Acad Sci U S A, 2016 06;113:6701-6; Walsh R et al. Genet Med, 2017 02;19:192-203; Ambry internal data). This amino acid position is well conserved in available vertebrate species. In addition, this alteration is predicted to be deleterious by in silico analysis. This variant is considered to be rare based on population cohorts in the Genome Aggregation Database (gnomAD). Based on the majority of available evidence to date, this variant is likely to be pathogenic.

GeneDx
Classification: Likely pathogenic. Last evaluated: 2023-04-10. Review status: criteria provided, single submitter. Criteria: GeneDx Variant Classification Process June 2021. Collection method: clinical testing. Allele origin: germline. Affected: yes.
Comment: Reported in association with HCM in published literature (Richard et al., 2003; Van Driest et al., 2004; Walsh et al., 2017; Mattivi et al., 2020); Not observed at significant frequency in large population cohorts (gnomAD); In silico analysis supports that this missense variant has a deleterious effect on protein structure/function; This variant is associated with the following publications: (PMID: 15358028, 12707239, 32894683, 27532257, 29300372)

Labcorp Genetics (formerly Invitae), Labcorp
Classification: Uncertain significance for Hypertrophic cardiomyopathy. Last evaluated: 2022-05-05. Review status: criteria provided, single submitter. Criteria: Invitae Variant Classification Sherloc (09022015). Collection method: clinical testing. Allele origin: germline.
Comment: This missense change has been observed in individual(s) with hypertrophic and/or dilated cardiomyopathy (PMID: 12707239, 27532257, 32894683). This variant is not present in population databases (gnomAD no frequency). This sequence change replaces alanine, which is neutral and non-polar, with valine, which is neutral and non-polar, at codon 428 of the MYH7 protein (p.Ala428Val). In summary, the available evidence is currently insufficient to determine the role of this variant in disease. Therefore, it has been classified as a Variant of Uncertain Significance. This variant is found within a region of MYH7 between codons 181 and 937 that contains the majority of the myosin head domain. Missense variants in this region have been shown to be significantly overrepresented in individuals with hypertrophic cardiomyopathy (PMID: 27532257). Algorithms developed to predict the effect of missense changes on protein structure and function are either unavailable or do not agree on the potential impact of this missense change (SIFT: "Deleterious"; PolyPhen-2: "Possibly Damaging"; Align-GVGD: "Class C0"). ClinVar contains an entry for this variant (Variation ID: 164375).

Laboratory for Molecular Medicine, Mass General Brigham Personalized Medicine
Classification: Likely pathogenic for Hypertrophic cardiomyopathy. Last evaluated: 2018-11-28. Review status: criteria provided, single submitter. Criteria: LMM Criteria. Collection method: clinical testing. Allele origin: germline. Inheritance: Autosomal dominant inheritance. Observed: 2 variant alleles.
Comment: The p.Ala428Val variant in MYH7 has been identified in 4 individuals with hypert rophic cardiomyopathy (HCM; Richard 2003, Van Driest 2004, Walsh 2017, LMM data) and is absent from large population studies. Computational prediction tools and conservation analysis suggest that this variant may impact the protein, though this information is not predictive enough to determine pathogenicity. This varia nt is located in the head domain of the MYH7 protein, where studies have shown t hat variants in this region have an increased probability for causing disease (W alsh 2017). In summary, although additional studies are required to fully establ ish its clinical significance, this variant meets criteria to be classified as l ikely pathogenic for autosomal dominant HCM based upon its presence in multiple affected individuals, absence from the general population, presence in a functio nal domain and computational evidence. ACMG/AMP Criteria applied: PS4_Supporting , PM1, PM2, PP3.

Literature cited by the submitters: PubMed 12707239 (cited by 3 submitters); PubMed 24793961 (cited by Ambry Genetics); PubMed 25611685 (cited by Ambry Genetics); PubMed 27532257 (cited by 3 submitters); PubMed 32894683 (cited by Labcorp Genetics (formerly Invitae), Labcorp); PubMed 15358028 (cited by Laboratory for Molecular Medicine, Mass General Brigham Personalized Medicine); PubMed 30275503 (cited by Laboratory for Molecular Medicine, Mass General Brigham Personalized Medicine).